The following is an entry in ClinVar:

NM_004260.4(RECQL4):c.2213A>G (p.Lys738Arg)

Gene: RECQL4 (RecQ like helicase 4; minus strand). Cytogenetic location: 8q24.3.
Variant type: single nucleotide variant.
Coding change: c.2213A>G on transcript NM_004260.4 (MANE Select); coding-DNA position 2213, A replaced by G.
Protein change: p.Lys738Arg; replaces lysine 738 with arginine.
Molecular consequence: missense variant. On other transcripts: non-coding transcript variant (3).
Genome position (GRCh38, 1-based): chr8:144,513,468, T>C on the plus strand (A>G on the coding strand, the complement: RECQL4 is on the minus strand). VCF-style: chr8-144513468-T-C. GRCh37 (hg19) VCF-style: chr8-145738852-T-C.
Other names: c.1142A>G, p.Lys381Arg (NM_001413028.1, NM_001413034.1, NM_001413035.1 and 6 more transcripts); c.1862A>G, p.Lys621Arg (NM_001413029.1); c.1076A>G, p.Lys359Arg (NM_001413030.1, NM_001413032.1, NM_001413041.1 and 1 more transcripts); c.944A>G, p.Lys315Arg (NM_001413031.1); c.2081A>G, p.Lys694Arg (NM_001413033.1); c.2213A>G, p.Lys738Arg (NM_001413036.1, NM_001413018.1, NM_001413019.1); c.1010A>G, p.Lys337Arg (NM_001413037.1); c.2183A>G, p.Lys728Arg (NM_001413039.1); and 5 more; short protein forms K249R, K315R, K337R, K359R, K371R, K381R, K621R, K694R.
Identifiers: ClinVar variation 3629235 (VCV003629235.3).

ClinVar aggregate classification (germline): Uncertain significance. Review status: criteria provided, multiple submitters, no conflicts (2 of 4 stars). 2 submissions from 2 submitters: Uncertain significance (2). Last evaluated 2026-06-26.

Conditions:
Baller-Gerold syndrome (BGS). Also called: CRANIOSYNOSTOSIS WITH RADIAL DEFECTS. Identifiers: Orphanet 1225, MedGen C0265308, MONDO:0009039, OMIM 218600.
Inborn genetic diseases. Identifiers: MedGen C0950123, MeSH D030342.

Submissions (2):

Ambry Genetics
Classification: Uncertain significance for Inborn genetic diseases. Last evaluated: 2026-06-26. Review status: criteria provided, single submitter. Criteria: Ambry Variant Classification Scheme 2023. Collection method: clinical testing. Allele origin: germline.
Comment: The p.K738R variant (also known as c.2213A>G), located in coding exon 14 of the RECQL4 gene, results from an A to G substitution at nucleotide position 2213. The lysine at codon 738 is replaced by arginine, an amino acid with highly similar properties. This amino acid position is conserved. In addition, this alteration is predicted to be tolerated by in silico analysis. Based on the available evidence, the clinical significance of this variant remains unclear.

Labcorp Genetics (formerly Invitae), Labcorp
Classification: Uncertain significance for Baller-Gerold syndrome. Last evaluated: 2024-06-11. Review status: criteria provided, single submitter. Criteria: Invitae Variant Classification Sherloc (09022015). Collection method: clinical testing. Allele origin: germline.
Comment: This sequence change replaces lysine, which is basic and polar, with arginine, which is basic and polar, at codon 738 of the RECQL4 protein (p.Lys738Arg). This variant is not present in population databases (gnomAD no frequency). This variant has not been reported in the literature in individuals affected with RECQL4-related conditions. Advanced modeling of protein sequence and biophysical properties (such as structural, functional, and spatial information, amino acid conservation, physicochemical variation, residue mobility, and thermodynamic stability) performed at Invitae indicates that this missense variant is not expected to disrupt RECQL4 protein function with a negative predictive value of 80%. In summary, the available evidence is currently insufficient to determine the role of this variant in disease. Therefore, it has been classified as a Variant of Uncertain Significance.